The following is an entry in ClinVar:

ClinVar aggregate classification (germline): Conflicting classifications of pathogenicity. Review status: criteria provided, conflicting classifications (1 of 4 stars). 8 submissions from 8 submitters: Uncertain significance (1); Benign (1); Likely benign (5). 1 of the submissions does not count toward it. Last evaluated 2026-01-30.

Conditions:
LRP2-related disorder. Also called: LRP2-related condition.
Donnai-Barrow syndrome. Also called: DBS/FOAR SYNDROME; FACIOOCULOACOUSTICORENAL SYNDROME. Identifiers: Orphanet 2143, MedGen C1857277, MONDO:0009104, OMIM 222448.

Allele frequency attached by ClinVar (database versions not stated): 1000 Genomes Project 30x 0.00078; 1000 Genomes Project 0.00100; ExAC 0.00105; gnomAD exomes 0.00120 and 0.00151; TOPMed 0.00122; gnomAD 0.00126 and 0.00127; ESP Exome Variant Server 0.00215.
gnomAD v4.1: 2,447 of 1,613,992 alleles (0.15%); highest among the groups gnomAD compares: Non-Finnish European, 0.16%; 3 homozygotes.

Submissions (8):

Labcorp Genetics (formerly Invitae), Labcorp
Classification: Benign. Last evaluated: 2026-01-30. Review status: criteria provided, single submitter. Criteria: Invitae Variant Classification Sherloc (09022015). Collection method: clinical testing. Allele origin: germline.

CeGaT Center for Human Genetics Tuebingen
Classification: Likely benign. Last evaluated: 2024-11-01. Review status: criteria provided, single submitter. Criteria: CeGaT Center For Human Genetics Tuebingen Variant Classification Criteria Version 2. Collection method: clinical testing. Allele origin: germline. Affected: yes. Observed: 5 variant alleles.
Comment: LRP2: BS2

Blueprint Genetics
Classification: Likely benign. Last evaluated: 2024-10-31. Review status: criteria provided, single submitter. Criteria: ACMG Guidelines, 2015. Collection method: clinical testing. Allele origin: germline.

Genome-Nilou Lab
Classification: Likely benign for Donnai-Barrow syndrome. Last evaluated: 2021-07-15. Review status: criteria provided, single submitter. Criteria: ACMG Guidelines, 2015. Collection method: clinical testing. Allele origin: germline. Affected: no.

GeneDx
Classification: Likely benign. Last evaluated: 2020-01-24. Review status: criteria provided, single submitter. Criteria: GeneDx Variant Classification Process June 2021. Collection method: clinical testing. Allele origin: germline. Affected: yes.
Comment: This variant is associated with the following publications: (PMID: 25533962)

Illumina Laboratory Services, Illumina
Classification: Likely benign for Donnai-Barrow syndrome. Last evaluated: 2017-05-22. Review status: criteria provided, single submitter. Criteria: ICSL Variant Classification Criteria 13 December 2019. Collection method: clinical testing. Allele origin: germline.
Comment: This variant was observed as part of a predisposition screen in an ostensibly healthy population. A literature search was performed for the gene, cDNA change, and amino acid change (where applicable). No publications were found based on this search. Allele frequency data from public databases allowed determination this variant is unlikely to cause disease. Therefore, this variant is classified as likely benign.

Genetic Services Laboratory, University of Chicago
Classification: Uncertain significance. Last evaluated: 2014-09-12. Review status: criteria provided, single submitter. Criteria: ACMG Guidelines, 2015. Collection method: clinical testing. Allele origin: germline.

PreventionGenetics, part of Exact Sciences
Classification: Benign for LRP2-related condition. Last evaluated: 2019-12-12. Review status: no assertion criteria provided. Collection method: clinical testing. Allele origin: germline. Not counted in ClinVar's aggregate classification.
Comment: This variant is classified as benign based on ACMG/AMP sequence variant interpretation guidelines (Richards et al. 2015 PMID: 25741868, with internal and published modifications).

NM_004525.3(LRP2):c.5209C>T (p.Leu1737Phe)

Gene: LRP2 (LDL receptor related protein 2; minus strand). Cytogenetic location: 2q31.1.
Variant type: single nucleotide variant.
Coding change: c.5209C>T on transcript NM_004525.3 (MANE Select); coding-DNA position 5209, C replaced by T.
Protein change: p.Leu1737Phe; replaces leucine 1737 with phenylalanine.
Molecular consequence: missense variant.
Genome position (GRCh38, 1-based): chr2:169,231,732, G>A on the plus strand (C>T on the coding strand, the complement: LRP2 is on the minus strand). VCF-style: chr2-169231732-G-A. GRCh37 (hg19) VCF-style: chr2-170088242-G-A.
Other names: short protein forms L1737F.
Identifiers: ClinVar variation 211399 (VCV000211399.47), dbSNP rs149469954, ClinGen allele CA205533.
Genomic context (GRCh38, chr2:169,231,732, plus strand): 5'-ACCAGCTCCATCTTCAGAGCTCACATAAGGAGCATACTATACCTCTCAAGCAATTCAGGA[G>A]ATCAGGAGACAGACTCCATCCTGAAGGACAAACACAGGAGTAAAAATGAGGCCCCTGTGA-3'
Protein context (NP_004516.2, residues 1727-1747): CPSGWSLSPD[Leu1737Phe]LNCLRDDQPF